The following is an entry in ClinVar:

NM_000065.5(C6):c.901C>T (p.Gln301Ter)

Gene: C6 (complement C6; minus strand). Cytogenetic location: 5p13.1.
Variant type: single nucleotide variant.
Coding change: c.901C>T on transcript NM_000065.5 (MANE Select); coding-DNA position 901, C replaced by T.
Protein change: p.Gln301Ter; replaces glutamine 301 with a stop codon.
Molecular consequence: nonsense.
Genome position (GRCh38, 1-based): chr5:41,181,385, G>A on the plus strand (C>T on the coding strand, the complement: C6 is on the minus strand). VCF-style: chr5-41181385-G-A. GRCh37 (hg19) VCF-style: chr5-41181487-G-A.
Other names: c.901C>T, p.Gln301Ter (NM_001115131.4); short protein forms Q301*.
Identifiers: ClinVar variation 1933917 (VCV001933917.5), dbSNP rs75870538, ClinGen allele CA359601604.
Genomic context (GRCh38, chr5:41,181,385, plus strand): 5'-GAAAGAATAAAAGGTTGGAAACCATTTTTGATACCTTTTTGTGAGAGGCTTGAATGGCTT[G>A]TTTGAAGGCAGAATTATGGTTGATATTTTCACTTCTCTTTGAGGAATAAAAAATTGGTAC-3'

ClinVar aggregate classification (germline): Pathogenic (1 of 4 stars; one submission).

Submission:

Labcorp Genetics (formerly Invitae), Labcorp
Classification: Pathogenic. Last evaluated: 2024-12-03. Review status: criteria provided, single submitter. Criteria: Invitae Variant Classification Sherloc (09022015). Collection method: clinical testing. Allele origin: germline.
Comment: This sequence change creates a premature translational stop signal (p.Gln301*) in the C6 gene. It is expected to result in an absent or disrupted protein product. Loss-of-function variants in C6 are known to be pathogenic (PMID: 17257682). This variant is not present in population databases (gnomAD no frequency). This variant has not been reported in the literature in individuals affected with C6-related conditions. ClinVar contains an entry for this variant (Variation ID: 1933917). For these reasons, this variant has been classified as Pathogenic.

Literature cited by the submitters: PubMed 17257682.